The following is an entry in ClinVar:

NM_018975.4(TERF2IP):c.955C>T (p.Arg319Trp)

Gene: TERF2IP (TERF2 interacting protein; plus strand). Cytogenetic location: 16q23.1.
Variant type: single nucleotide variant.
Coding change: c.955C>T on transcript NM_018975.4 (MANE Select); coding-DNA position 955, C replaced by T.
Protein change: p.Arg319Trp; replaces arginine 319 with tryptophan.
Molecular consequence: missense variant. On other transcripts: non-coding transcript variant (1).
Genome position (GRCh38, 1-based): chr16:75,656,366, C>T. VCF-style: chr16-75656366-C-T. GRCh37 (hg19) VCF-style: chr16-75690264-C-T.
Other names: short protein forms R319W.
Identifiers: ClinVar variation 4748690 (VCV004748690.1).

ClinVar aggregate classification (germline): Uncertain significance (1 of 4 stars; one submission).

gnomAD v4.1: 42 of 1,614,016 alleles (0.0026%); highest among the groups gnomAD compares: Non-Finnish European, 0.0032%; no homozygotes.

Submission:

Labcorp Genetics (formerly Invitae), Labcorp
Classification: Uncertain significance. Last evaluated: 2025-12-22. Review status: criteria provided, single submitter. Criteria: Invitae Variant Classification Sherloc (09022015). Collection method: clinical testing. Allele origin: germline.
Comment: This sequence change replaces arginine, which is basic and polar, with tryptophan, which is neutral and slightly polar, at codon 319 of the TERF2IP protein (p.Arg319Trp). This variant is present in population databases (rs761365984, gnomAD 0.004%). This variant has not been reported in the literature in individuals affected with TERF2IP-related conditions. An algorithm developed to predict the effect of missense changes on protein structure and function (PolyPhen-2) suggests that this variant is likely to be disruptive. In summary, the available evidence is currently insufficient to determine the role of this variant in disease. Therefore, it has been classified as a Variant of Uncertain Significance.